The following is an entry in ClinVar:

NM_019014.6(POLR1B):c.2549A>G (p.Asp850Gly)

Gene: POLR1B (RNA polymerase I subunit B; plus strand). Cytogenetic location: 2q14.1.
Variant type: single nucleotide variant.
Coding change: c.2549A>G on transcript NM_019014.6 (MANE Select); coding-DNA position 2549, A replaced by G.
Protein change: p.Asp850Gly; replaces aspartic acid 850 with glycine.
Molecular consequence: missense variant.
Genome position (GRCh38, 1-based): chr2:112,574,870, A>G. VCF-style: chr2-112574870-A-G. GRCh37 (hg19) VCF-style: chr2-113332447-A-G.
Other names: c.2381A>G, p.Asp794Gly (NM_001137604.3); c.2663A>G, p.Asp888Gly (NM_001282772.2); c.2000A>G, p.Asp667Gly (NM_001282774.2); c.1916A>G, p.Asp639Gly (NM_001282776.2, NM_001371971.1); c.2132A>G, p.Asp711Gly (NM_001282777.2, NM_001282779.2, NM_001371970.1); c.2687A>G, p.Asp896Gly (NM_001371969.1); short protein forms D639G, D667G, D711G, D794G, D850G, D888G, D896G.
Identifiers: ClinVar variation 4527525 (VCV004527525.1).

ClinVar aggregate classification (germline): Uncertain significance (1 of 4 stars; one submission).

Submission:

GeneDx
Classification: Uncertain significance. Last evaluated: 2025-04-23. Review status: criteria provided, single submitter. Criteria: GeneDx Variant Classification Process June 2021. Collection method: clinical testing. Allele origin: germline. Affected: yes.
Comment: Not observed at significant frequency in large population cohorts (gnomAD); In silico analysis supports that this missense variant has a deleterious effect on protein structure/function; Has not been previously published as pathogenic or benign to our knowledge